The following is an entry in ClinVar:

ClinVar aggregate classification (germline): Likely benign. Review status: criteria provided, multiple submitters, no conflicts (2 of 4 stars). 3 submissions from 3 submitters: Likely benign (3). Last evaluated 2025-12-15.

Conditions:
Hyper-IgE recurrent infection syndrome 1, autosomal dominant. Also called: Job's Syndrome; STAT3 Hyper IgE Syndrome; Hyper-IgE recurrent infection syndrome 1; HYPER-IgE SYNDROME 1, AUTOSOMAL DOMINANT, WITH RECURRENT INFECTIONS; JOB SYNDROME. Identifiers: Orphanet 2314, MedGen C2936739, MONDO:0007818, OMIM 147060.
STAT3 gain of function. Identifiers: MedGen C4288261.

Allele frequency attached by ClinVar (database versions not stated): TOPMed below 0.00001; gnomAD exomes 0.00001.
gnomAD v4.1: 9 of 1,604,868 alleles (0.00056%); highest among the groups gnomAD compares: Middle Eastern, 0.017%; no homozygotes.

Submissions (3):

Labcorp Genetics (formerly Invitae), Labcorp
Classification: Likely benign for STAT3 gain of function; Hyper-IgE recurrent infection syndrome 1, autosomal dominant. Last evaluated: 2025-12-15. Review status: criteria provided, single submitter. Criteria: Invitae Variant Classification Sherloc (09022015). Collection method: clinical testing. Allele origin: germline.

Blueprint Genetics
Classification: Likely benign. Last evaluated: 2024-09-21. Review status: criteria provided, single submitter. Criteria: ACMG Guidelines, 2015. Collection method: clinical testing. Allele origin: germline.

GeneDx
Classification: Likely benign. Last evaluated: 2017-03-31. Review status: criteria provided, single submitter. Criteria: GeneDx Variant Classification (06012015). Collection method: clinical testing. Allele origin: germline. Affected: yes.
Comment: This variant is considered likely benign or benign based on one or more of the following criteria: it is a conservative change, it occurs at a poorly conserved position in the protein, it is predicted to be benign by multiple in silico algorithms, and/or has population frequency not consistent with disease.

NM_139276.3(STAT3):c.1600+11C>T

Gene: STAT3 (signal transducer and activator of transcription 3; minus strand). Cytogenetic location: 17q21.2.
Variant type: single nucleotide variant.
Coding change: c.1600+11C>T on transcript NM_139276.3 (MANE Select); 11 bases into the intron after coding-DNA position 1600, C replaced by T.
Molecular consequence: intron variant.
Genome position (GRCh38, 1-based): chr17:42,324,700, G>A on the plus strand (C>T on the coding strand, the complement: STAT3 is on the minus strand). VCF-style: chr17-42324700-G-A. GRCh37 (hg19) VCF-style: chr17-40476718-G-A.
Other names: c.1504+11C>T (NM_001384989.1); c.1540+11C>T (NM_001384992.1); c.1516+11C>T (NM_001384984.1); c.1600+11C>T (NM_001369519.1, NM_003150.4, NM_001369517.1 and 10 more transcripts); c.1522+11C>T (NM_001384985.1); c.1579+11C>T (NM_001384987.1); c.1615+11C>T (NM_001384986.1, NM_001384990.1).
Identifiers: ClinVar variation 508536 (VCV000508536.5), dbSNP rs1204881810, ClinGen allele CA626048376.